The following is an entry in ClinVar:

NM_017636.4(TRPM4):c.856A>G (p.Thr286Ala)

Gene: TRPM4 (transient receptor potential cation channel subfamily M member 4; plus strand). Cytogenetic location: 19q13.33.
Variant type: single nucleotide variant.
Coding change: c.856A>G on transcript NM_017636.4 (MANE Select); coding-DNA position 856, A replaced by G.
Protein change: p.Thr286Ala; replaces threonine 286 with alanine.
Molecular consequence: missense variant. On other transcripts: 5 prime UTR variant (1).
Genome position (GRCh38, 1-based): chr19:49,171,416, A>G. VCF-style: chr19-49171416-A-G. GRCh37 (hg19) VCF-style: chr19-49674673-A-G.
Other names: c.856A>G, p.Thr286Ala (NM_001195227.2); c.511A>G, p.Thr171Ala (NM_001321281.2); c.-698A>G (NM_001321282.2); c.334A>G, p.Thr112Ala (NM_001321283.2); c.7A>G, p.Thr3Ala (NM_001321285.2); short protein forms T286A, T3A, T112A, T171A.
Identifiers: ClinVar variation 578268 (VCV000578268.41), dbSNP rs151205002, ClinGen allele CA9568978.

ClinVar aggregate classification (germline): Conflicting classifications of pathogenicity. Review status: criteria provided, conflicting classifications (1 of 4 stars). 7 submissions from 7 submitters: Uncertain significance (4); Likely benign (3). Last evaluated 2026-01-27.

Conditions:
Cardiovascular phenotype. Identifiers: MedGen CN230736.
Progressive familial heart block type IB (PFHB1B). Identifiers: Orphanet 871, MedGen C1970298, MONDO:0011474, OMIM 604559.

Allele frequency attached by ClinVar (database versions not stated): gnomAD exomes 0.00012 and 0.00019; gnomAD 0.00013; 1000 Genomes Project 0.00020; ExAC 0.00023; TOPMed 0.00023; 1000 Genomes Project 30x 0.00031; ESP Exome Variant Server 0.00038.
gnomAD v4.1: 200 of 1,613,716 alleles (0.012%); highest among the groups gnomAD compares: Middle Eastern, 0.05%; no homozygotes.

Submissions (7):

Labcorp Genetics (formerly Invitae), Labcorp
Classification: Uncertain significance for Progressive familial heart block type IB. Last evaluated: 2026-01-27. Review status: criteria provided, single submitter. Criteria: Invitae Variant Classification Sherloc (09022015). Collection method: clinical testing. Allele origin: germline.
Comment: This sequence change replaces threonine, which is neutral and polar, with alanine, which is neutral and non-polar, at codon 286 of the TRPM4 protein (p.Thr286Ala). This variant is present in population databases (rs151205002, gnomAD 0.06%), and has an allele count higher than expected for a pathogenic variant. This missense change has been observed in individual(s) with sudden infant death syndrome (PMID: 30086531). ClinVar contains an entry for this variant (Variation ID: 578268). An algorithm developed to predict the effect of missense changes on protein structure and function (PolyPhen-2) suggests that this variant is likely to be tolerated. Algorithms developed to predict the effect of sequence changes on RNA splicing suggest that this variant may disrupt the consensus splice site. In summary, the available evidence is currently insufficient to determine the role of this variant in disease. Therefore, it has been classified as a Variant of Uncertain Significance.

CeGaT Center for Human Genetics Tuebingen
Classification: Likely benign. Last evaluated: 2025-11-01. Review status: criteria provided, single submitter. Criteria: CeGaT Center For Human Genetics Tuebingen Variant Classification Criteria Version 2. Collection method: clinical testing. Allele origin: germline. Affected: yes. Observed: 1 variant allele.
Comment: TRPM4: BP4

Ambry Genetics
Classification: Uncertain significance for Cardiovascular phenotype. Last evaluated: 2025-08-14. Review status: criteria provided, single submitter. Criteria: Ambry Variant Classification Scheme 2023. Collection method: clinical testing. Allele origin: germline.

Blueprint Genetics
Classification: Likely benign. Last evaluated: 2024-11-15. Review status: criteria provided, single submitter. Criteria: ACMG Guidelines, 2015. Collection method: clinical testing. Allele origin: germline.

Women's Health and Genetics/Laboratory Corporation of America, LabCorp
Classification: Likely benign. Last evaluated: 2024-10-15. Review status: criteria provided, single submitter. Criteria: LabCorp Variant Classification Summary - May 2015. Collection method: clinical testing. Allele origin: germline.
Comment: Variant summary: TRPM4 c.856A>G (p.Thr286Ala) results in a non-conservative amino acid change in the encoded protein sequence. Three of five in-silico tools predict a benign effect of the variant on protein function. Consensus agreement among computation tools predict no significant impact on normal splicing. However, these predictions have yet to be confirmed by functional studies. The variant allele was found at a frequency of 0.00019 in 251420 control chromosomes, predominantly at a frequency of 0.00029 within the Latino subpopulation in the gnomAD database. The observed variant frequency within Latino control individuals in the gnomAD database is approximately 116 fold of the estimated maximal expected allele frequency for a pathogenic variant in TRPM4 causing Progressive Familial Heart Block Type 1B phenotype (2.5e-06). c.856A>G has been reported in the literature in individuals affected with TRPM4-related disorders as well as in controls (Couthouis_2014, Campuzano_2018). These reports do not provide unequivocal conclusions about association of the variant with Progressive Familial Heart Block Type 1B. To our knowledge, no experimental evidence demonstrating an impact on protein function has been reported. The following publications have been ascertained in the context of this evaluation (PMID: 30086531, 25299611). ClinVar contains an entry for this variant (Variation ID: 578268). Based on the evidence outlined above, the variant was classified as likely benign.

GeneDx
Classification: Uncertain significance. Last evaluated: 2023-08-29. Review status: criteria provided, single submitter. Criteria: GeneDx Variant Classification Process June 2021. Collection method: clinical testing. Allele origin: germline. Affected: yes.
Comment: Identified in a patient with Sudden Infant Death syndrome (SIDS) who also harbored the c.1690_1692dupCTT variant in the TRPM4 gene (Campuzano et al., 2018); At the protein level, in silico analysis supports that this missense variant does not alter protein structure/function; In silico analysis is inconclusive as to whether the variant alters gene splicing. In the absence of RNA/functional studies, the actual effect of this sequence change is unknown.; This variant is associated with the following publications: (PMID: 30086531)

Illumina Laboratory Services, Illumina
Classification: Uncertain significance for Progressive familial heart block type IB. Last evaluated: 2017-04-27. Review status: criteria provided, single submitter. Criteria: ICSL Variant Classification Criteria 13 December 2019. Collection method: clinical testing. Allele origin: germline.

Literature cited by the submitters: PubMed 30086531 (cited by Labcorp Genetics (formerly Invitae), Labcorp and Women's Health and Genetics/Laboratory Corporation of America, LabCorp); PubMed 25299611 (cited by Women's Health and Genetics/Laboratory Corporation of America, LabCorp).